The following is an entry in ClinVar:

ClinVar aggregate classification (germline): Uncertain significance (1 of 4 stars; one submission).

Conditions:
Vici syndrome (VICIS). Identifiers: Orphanet 1493, MedGen C1855772, MONDO:0009452, OMIM 242840.

Submission:

Labcorp Genetics (formerly Invitae), Labcorp
Classification: Uncertain significance for Vici syndrome. Last evaluated: 2023-12-19. Review status: criteria provided, single submitter. Criteria: Invitae Variant Classification Sherloc (09022015). Collection method: clinical testing. Allele origin: germline.
Comment: This sequence change replaces leucine, which is neutral and non-polar, with arginine, which is basic and polar, at codon 1411 of the EPG5 protein (p.Leu1411Arg). This variant is not present in population databases (gnomAD no frequency). This variant has not been reported in the literature in individuals affected with EPG5-related conditions. Advanced modeling of protein sequence and biophysical properties (such as structural, functional, and spatial information, amino acid conservation, physicochemical variation, residue mobility, and thermodynamic stability) performed at Invitae indicates that this missense variant is expected to disrupt EPG5 protein function with a positive predictive value of 80%. In summary, the available evidence is currently insufficient to determine the role of this variant in disease. Therefore, it has been classified as a Variant of Uncertain Significance.

NM_020964.3(EPG5):c.4232T>G (p.Leu1411Arg)

Gene: EPG5 (ectopic P-granules 5 autophagy tethering factor; minus strand). Cytogenetic location: 18q21.1.
Variant type: single nucleotide variant.
Coding change: c.4232T>G on transcript NM_020964.3 (MANE Select); coding-DNA position 4232, T replaced by G.
Protein change: p.Leu1411Arg; replaces leucine 1411 with arginine.
Molecular consequence: missense variant.
Genome position (GRCh38, 1-based): chr18:45,908,055, A>C on the plus strand (T>G on the coding strand, the complement: EPG5 is on the minus strand). VCF-style: chr18-45908055-A-C. GRCh37 (hg19) VCF-style: chr18-43488020-A-C.
Other names: c.4232T>G, p.Leu1411Arg (NM_001410858.1, NM_001410859.1); short protein forms L1411R.
Identifiers: ClinVar variation 2704313 (VCV002704313.3), dbSNP rs2511756962, ClinGen allele CA402339000.